The following is an entry in ClinVar:

NM_030930.4(UNC93B1):c.1785G>C (p.Glu595Asp)

Gene: UNC93B1 (unc-93B1 regulator of TLR signaling; minus strand). Cytogenetic location: 11q13.2.
Variant type: single nucleotide variant.
Coding change: c.1785G>C on transcript NM_030930.4 (MANE Select); coding-DNA position 1785, G replaced by C.
Protein change: p.Glu595Asp; replaces glutamic acid 595 with aspartic acid.
Molecular consequence: missense variant.
Genome position (GRCh38, 1-based): chr11:67,991,555, C>G on the plus strand (G>C on the coding strand, the complement: UNC93B1 is on the minus strand). VCF-style: chr11-67991555-C-G. GRCh37 (hg19) VCF-style: chr11-67759026-C-G.
Other names: short protein forms E595D.
Identifiers: ClinVar variation 933307 (VCV000933307.7), dbSNP rs761443098, ClinGen allele CA6145332.
Genomic context (GRCh38, chr11:67,991,555, plus strand): 5'-TAAACTGAGGCCGGCGAGGAGGGAGGCTGAGTCCGGGGACCAGGCGGCCCCTCACTGCTC[C>G]TCCGGCCCGTCTCCCCCCTGCGCCTGTTCGTACGGGCAGGGCCGGCGGCCGAGTCCAGCG-3'
Protein context (NP_112192.2, residues 585-597): YEQAQGGDGP[Glu595Asp]EQ

ClinVar aggregate classification (germline): Uncertain significance. Review status: criteria provided, multiple submitters, no conflicts (2 of 4 stars). 3 submissions from 3 submitters: Uncertain significance (3). Last evaluated 2024-11-11.

Conditions:
Encephalopathy, acute, infection-induced (herpes-specific), susceptibility to, 1. Also called: Herpes simplex encephalitis, susceptibility to, 1. Identifiers: Orphanet 1930, MedGen C2750180, MONDO:0024563, OMIM 610551.

Allele frequency attached by ClinVar (database versions not stated): TOPMed 0.00008; gnomAD 0.00011 and 0.00013; ExAC below 0.00001; gnomAD exomes 0.00001 and 0.00027.
gnomAD v4.1: 365 of 1,463,996 alleles (0.025%); highest among the groups gnomAD compares: Non-Finnish European, 0.032%; 1 homozygote.

Submissions (3):

Blueprint Genetics
Classification: Uncertain significance. Last evaluated: 2024-11-11. Review status: criteria provided, single submitter. Criteria: ACMG Guidelines, 2015. Collection method: clinical testing. Allele origin: germline.

Labcorp Genetics (formerly Invitae), Labcorp
Classification: Uncertain significance for Encephalopathy, acute, infection-induced (herpes-specific), susceptibility to, 1. Last evaluated: 2022-08-12. Review status: criteria provided, single submitter. Criteria: Invitae Variant Classification Sherloc (09022015). Collection method: clinical testing. Allele origin: germline.
Comment: This sequence change replaces glutamic acid, which is acidic and polar, with aspartic acid, which is acidic and polar, at codon 595 of the UNC93B1 protein (p.Glu595Asp). The frequency data for this variant in the population databases is considered unreliable, as metrics indicate poor data quality at this position in the gnomAD database. This variant has not been reported in the literature in individuals affected with UNC93B1-related conditions. ClinVar contains an entry for this variant (Variation ID: 933307). Algorithms developed to predict the effect of missense changes on protein structure and function output the following: SIFT: "Not Available"; PolyPhen-2: "Not Available"; Align-GVGD: "Not Available". The aspartic acid amino acid residue is found in multiple mammalian species, which suggests that this missense change does not adversely affect protein function. In summary, the available evidence is currently insufficient to determine the role of this variant in disease. Therefore, it has been classified as a Variant of Uncertain Significance.

Center for Genomics, Ann and Robert H. Lurie Children's Hospital of Chicago
Classification: Uncertain significance for Encephalopathy, acute, infection-induced (herpes-specific), susceptibility to, 1. Last evaluated: 2021-08-16. Review status: criteria provided, single submitter. Criteria: ACMG Guidelines, 2015. Collection method: clinical testing. Allele origin: germline.
Comment: UNC93B1 NM_030930.3 exon 11 p.Glu595Asp (c.1785G>C): This variant has not been reported in the literature but is present in 0.02% (15/67980) of European alleles in the Genome Aggregation Database. This variant is present in ClinVar (Variation ID:933307). This variant amino acid (Aspartate) is present in multiple mammals and is not well conserved among evolutionarily distant species; this suggests that this variant may not impact the protein. Additional computational prediction tools are unclear. In summary, data on this variant is insufficient for disease classification. Therefore, the clinical significance of this variant is uncertain.